The following is an entry in ClinVar:

ClinVar aggregate classification (germline): Pathogenic. Review status: criteria provided, single submitter (1 of 4 stars). 3 submissions from 3 submitters: Pathogenic (1). 2 of the submissions do not count toward it. Last evaluated 2022-09-07.

Conditions:
Atrial fibrillation, familial, 18 (ATFB18). Identifiers: MedGen C4310636, MONDO:0015001, OMIM 617280.
Familial atrial fibrillation. Identifiers: Orphanet 334, MedGen C3468561, MONDO:0018054.

Allele frequency attached by ClinVar (database versions not stated): gnomAD exomes below 0.00001.
gnomAD v4.1: 1 of 1,614,152 alleles (0.000062%); highest among the groups gnomAD compares: Non-Finnish European, 0.000085%; no homozygotes.

Submissions (3):

Labcorp Genetics (formerly Invitae), Labcorp
Classification: Pathogenic for Atrial fibrillation, familial, 18. Last evaluated: 2022-09-07. Review status: criteria provided, single submitter. Criteria: Invitae Variant Classification Sherloc (09022015). Collection method: clinical testing. Allele origin: germline.
Comment: This variant is not present in population databases (gnomAD no frequency). This sequence change replaces glutamic acid, which is acidic and polar, with lysine, which is basic and polar, at codon 11 of the MYL4 protein (p.Glu11Lys). This missense change has been observed in individual(s) with autosomal dominant atrial fibrillation (PMID: 27066836, 29080865). It has also been observed to segregate with disease in related individuals. For these reasons, this variant has been classified as Pathogenic. Experimental studies have shown that this missense change affects MYL4 function (PMID: 27066836, 29080865). Algorithms developed to predict the effect of missense changes on protein structure and function are either unavailable or do not agree on the potential impact of this missense change (SIFT: "Tolerated"; PolyPhen-2: "Not Available"; Align-GVGD: "Class C0"). ClinVar contains an entry for this variant (Variation ID: 224067).

OMIM
Classification: Pathogenic for ATRIAL FIBRILLATION, FAMILIAL, 18 (1 family). Last evaluated: 2026-11-04. Review status: no assertion criteria provided. Collection method: literature only. Allele origin: germline. Not counted in ClinVar's aggregate classification.

Toronto General Hospital, University of Toronto
Classification: Pathogenic for Atrial Fibrillation, Familial. Last evaluated: 2016-02-26. Review status: no assertion criteria provided. Collection method: research. Allele origin: inherited. Inheritance: Autosomal dominant inheritance. Affected: yes. Observed: 1 heterozygote. Not counted in ClinVar's aggregate classification.

Literature cited by the submitters: PubMed 27066836 (cited by 3 submitters); PubMed 29080865 (cited by Labcorp Genetics (formerly Invitae), Labcorp).

NM_002476.2(MYL4):c.31G>A (p.Glu11Lys)

Gene: MYL4 (myosin light chain 4; plus strand). Cytogenetic location: 17q21.32.
Variant type: single nucleotide variant.
Coding change: c.31G>A on transcript NM_002476.2 (MANE Select); coding-DNA position 31, G replaced by A.
Protein change: p.Glu11Lys; replaces glutamic acid 11 with lysine.
Molecular consequence: missense variant.
Genome position (GRCh38, 1-based): chr17:47,209,453, G>A. VCF-style: chr17-47209453-G-A. GRCh37 (hg19) VCF-style: chr17-45286819-G-A.
Other names: c.31G>A, p.Glu11Lys (NM_001002841.2); short protein forms E11K.
Identifiers: ClinVar variation 224067 (VCV000224067.7), dbSNP rs886037778, ClinGen allele CA10575892.